The following is an entry in ClinVar:

ClinVar aggregate classification (germline): Uncertain significance (1 of 4 stars; one submission).

Conditions:
Polyhydramnios, megalencephaly, and symptomatic epilepsy (PMSE). Also called: PMSE SYNDROME. Identifiers: Orphanet 500533, MedGen C1970203, MONDO:0012611, OMIM 611087.

Allele frequency attached by ClinVar (database versions not stated): TOPMed below 0.00001.

Submission:

Labcorp Genetics (formerly Invitae), Labcorp
Classification: Uncertain significance for Polyhydramnios, megalencephaly, and symptomatic epilepsy. Last evaluated: 2021-04-11. Review status: criteria provided, single submitter. Criteria: Invitae Variant Classification Sherloc (09022015). Collection method: clinical testing. Allele origin: germline.
Comment: In summary, the available evidence is currently insufficient to determine the role of this variant in disease. Therefore, it has been classified as a Variant of Uncertain Significance. Algorithms developed to predict the effect of missense changes on protein structure and function (SIFT, PolyPhen-2, Align-GVGD) all suggest that this variant is likely to be tolerated, but these predictions have not been confirmed by published functional studies and their clinical significance is uncertain. This variant has not been reported in the literature in individuals with STRADA-related conditions. This variant is not present in population databases (ExAC no frequency). This sequence change replaces serine with phenylalanine at codon 52 of the STRADA protein (p.Ser52Phe). The serine residue is moderately conserved and there is a large physicochemical difference between serine and phenylalanine.

NM_001003787.4(STRADA):c.155C>T (p.Ser52Phe)

Gene: STRADA (STE20 related adaptor alpha; minus strand). Cytogenetic location: 17q23.3.
Variant type: single nucleotide variant.
Coding change: c.155C>T on transcript NM_001003787.4 (MANE Select); coding-DNA position 155, C replaced by T.
Protein change: p.Ser52Phe; replaces serine 52 with phenylalanine.
Molecular consequence: missense variant. On other transcripts: 5 prime UTR variant (3), non-coding transcript variant (1), intron variant (1).
Genome position (GRCh38, 1-based): chr17:63,714,077, G>A on the plus strand (C>T on the coding strand, the complement: STRADA is on the minus strand). VCF-style: chr17-63714077-G-A. GRCh37 (hg19) VCF-style: chr17-61791437-G-A.
Other names: c.44C>T, p.Ser15Phe (NM_001003786.3, NM_001363789.1, NM_153335.6); c.-20C>T (NM_001003788.3, NM_001363790.1, NM_001363791.1); c.68C>T, p.Ser23Phe (NM_001165969.2, NM_001363787.1); c.131C>T, p.Ser44Phe (NM_001363786.1); c.155C>T, p.Ser52Phe (NM_001363788.1); c.95-550C>T (NM_001165970.2); short protein forms S15F, S23F, S52F, S44F.
Identifiers: ClinVar variation 1410044 (VCV001410044.8), dbSNP rs1210217379, ClinGen allele CA400594344.